The following is an entry in ClinVar:

NM_002769.5(PRSS1):c.583T>A (p.Ser195Thr)

Genes: TRB (T cell receptor beta locus; plus strand), PRSS1 (serine protease 1; plus strand). Cytogenetic location: 7q34.
Variant type: single nucleotide variant.
Coding change: c.583T>A on transcript NM_002769.5 (MANE Select); coding-DNA position 583, T replaced by A.
Protein change: p.Ser195Thr; replaces serine 195 with threonine.
Molecular consequence: missense variant. On other transcripts: non-coding transcript variant (5).
Genome position (GRCh38, 1-based): chr7:142,752,559, T>A. VCF-style: chr7-142752559-T-A. GRCh37 (hg19) VCF-style: chr7-142460410-T-A.
Other names: short protein forms S195T.
Identifiers: ClinVar variation 3426296 (VCV003426296.1).
Genomic context (GRCh38, chr7:142,752,559, plus strand): 5'-TACCCTGGAAAGATTACCAGCAACATGTTCTGTGTGGGCTTCCTTGAGGGAGGCAAGGAT[T>A]CATGTCAGGTGATTTGACCAACCCTTCCCATGCTGAGGCTCCCACTGATACCTAGGCCCC-3'
Protein context (NP_002760.1, residues 185-205): CVGFLEGGKD[Ser195Thr]CQGDSGGPVV

ClinVar aggregate classification (germline): Uncertain significance (1 of 4 stars; one submission).

Conditions:
Hereditary pancreatitis (PCTT). Also called: Hereditary chronic pancreatitis; PRSS1-Related Hereditary Pancreatitis. Identifiers: Orphanet 676, MedGen C0238339, MONDO:0008185, OMIM 167800.

Submission:

Ambry Genetics
Classification: Uncertain significance for Hereditary pancreatitis. Last evaluated: 2024-07-24. Review status: criteria provided, single submitter. Criteria: Ambry Variant Classification Scheme 2023. Collection method: clinical testing. Allele origin: germline.
Comment: The p.S195T variant (also known as c.583T>A), located in coding exon 4 of the PRSS1 gene, results from a T to A substitution at nucleotide position 583. The serine at codon 195 is replaced by threonine, an amino acid with similar properties. This amino acid position is conserved. In addition, the in silico prediction for this alteration is inconclusive. Based on the available evidence, the clinical significance of this variant remains unclear.